The following is an entry in ClinVar:

NM_032608.7(MYO18B):c.5930A>G (p.Asn1977Ser)

Gene: MYO18B (myosin XVIIIB; plus strand). Cytogenetic location: 22q12.1.
Variant type: single nucleotide variant.
Coding change: c.5930A>G on transcript NM_032608.7 (MANE Select); coding-DNA position 5930, A replaced by G.
Protein change: p.Asn1977Ser; replaces asparagine 1977 with serine.
Molecular consequence: missense variant.
Genome position (GRCh38, 1-based): chr22:25,952,383, A>G. VCF-style: chr22-25952383-A-G. GRCh37 (hg19) VCF-style: chr22-26348349-A-G.
Other names: c.5933A>G, p.Asn1978Ser (NM_001318245.2); short protein forms N1977S, N1978S.
Identifiers: ClinVar variation 2421586 (VCV002421586.3), dbSNP rs2518099901, ClinGen allele CA411008762.
Genomic context (GRCh38, chr22:25,952,383, plus strand): 5'-AGTCCACCGTGGATCGAGCCATCGTCAGCAGGCAGGAGGCGGTCATCTGTGACCTAGAGA[A>G]CAAGACAGAGTTCCAGAAGGTGCAGATTAAGAGATTTGAGGTACGTAGTGATTCATAAAT-3'
Protein context (NP_115997.5, residues 1967-1987): RQEAVICDLE[Asn1977Ser]KTEFQKVQIK

ClinVar aggregate classification (germline): Uncertain significance (1 of 4 stars; one submission).

Allele frequency attached by ClinVar (database versions not stated): gnomAD exomes below 0.00001.
gnomAD v4.1: 2 of 1,613,066 alleles (0.00012%); highest among the groups gnomAD compares: Non-Finnish European, 0.00017%; no homozygotes.

Submission:

Labcorp Genetics (formerly Invitae), Labcorp
Classification: Uncertain significance. Last evaluated: 2022-06-20. Review status: criteria provided, single submitter. Criteria: Invitae Variant Classification Sherloc (09022015). Collection method: clinical testing. Allele origin: germline.
Comment: This sequence change replaces asparagine, which is neutral and polar, with serine, which is neutral and polar, at codon 1977 of the MYO18B protein (p.Asn1977Ser). This variant is not present in population databases (gnomAD no frequency). This variant has not been reported in the literature in individuals affected with MYO18B-related conditions. Algorithms developed to predict the effect of missense changes on protein structure and function output the following: SIFT: "Not Available"; PolyPhen-2: "Benign"; Align-GVGD: "Not Available". The serine amino acid residue is found in multiple mammalian species, which suggests that this missense change does not adversely affect protein function. In summary, the available evidence is currently insufficient to determine the role of this variant in disease. Therefore, it has been classified as a Variant of Uncertain Significance.